The following is an entry in ClinVar:

NM_001375524.1(TRRAP):c.5030T>C (p.Val1677Ala)

Genes: TRRAP (transformation/transcription domain associated protein; plus strand), LOC126860121 (MED14-independent group 3 enhancer GRCh37_chr7:98547245-98548444; plus strand). Cytogenetic location: 7q22.1.
Variant type: single nucleotide variant.
Coding change: c.5030T>C on transcript NM_001375524.1 (MANE Select); coding-DNA position 5030, T replaced by C.
Protein change: p.Val1677Ala; replaces valine 1677 with alanine.
Molecular consequence: missense variant.
Genome position (GRCh38, 1-based): chr7:98,949,736, T>C. VCF-style: chr7-98949736-T-C. GRCh37 (hg19) VCF-style: chr7-98547359-T-C.
Other names: c.5009T>C, p.Val1670Ala (NM_001244580.2); c.4955T>C, p.Val1652Ala (NM_003496.4); short protein forms V1652A, V1670A, V1677A.
Identifiers: ClinVar variation 4282107 (VCV004282107.1).
Genomic context (GRCh38, chr7:98,949,736, plus strand): 5'-TGAAAAACGATGACTCCTGGCTGGCCAGCCAGCACTCTCTGGTGAGCCAGTTGCGACGTG[T>C]GTGGGTGAGTGAGAACTTCCAAGAGAGGCACCGCAAGGAGAACATGGCAGCCACCAACTG-3'
Protein context (NP_001362453.1, residues 1667-1687): QHSLVSQLRR[Val1677Ala]WVSENFQERH

ClinVar aggregate classification (germline): Uncertain significance (1 of 4 stars; one submission).

Submission:

GeneDx
Classification: Uncertain significance. Last evaluated: 2025-04-17. Review status: criteria provided, single submitter. Criteria: GeneDx Variant Classification Process June 2021. Collection method: clinical testing. Allele origin: germline. Affected: yes.
Comment: Not observed at significant frequency in large population cohorts (gnomAD); In silico analysis supports that this missense variant has a deleterious effect on protein structure/function; Has not been previously published as pathogenic or benign to our knowledge